The following is an entry in ClinVar:

NM_004517.4(ILK):c.163A>T (p.Met55Leu)

Genes: TAF10 (TATA-box binding protein associated factor 10; minus strand), ILK (integrin linked kinase; plus strand). Cytogenetic location: 11p15.4.
Variant type: single nucleotide variant.
Coding change: c.163A>T on transcript NM_004517.4 (MANE Select); coding-DNA position 163, A replaced by T.
Protein change: p.Met55Leu; replaces methionine 55 with leucine.
Molecular consequence: missense variant. On other transcripts: 3 prime UTR variant (1), intron variant (1).
Genome position (GRCh38, 1-based): chr11:6,608,119, A>T. VCF-style: chr11-6608119-A-T. GRCh37 (hg19) VCF-style: chr11-6629349-A-T.
Other names: c.163A>T, p.Met55Leu (NM_001014794.3, NM_001014795.3, NM_001278441.2); c.*2803T>A (NM_006284.4); c.-147-275A>T (NM_001278442.2); short protein forms M55L.
Identifiers: ClinVar variation 3680648 (VCV003680648.3).

ClinVar aggregate classification (germline): Uncertain significance. Review status: criteria provided, multiple submitters, no conflicts (2 of 4 stars). 2 submissions from 2 submitters: Uncertain significance (2). Last evaluated 2025-02-01.

Conditions:
Primary familial hypertrophic cardiomyopathy (HCM). Identifiers: Orphanet 99739, MedGen C0949658, MeSH D024741, MONDO:0024573. Inheritance: Various modes of inheritance.

Submissions (2):

Ambry Genetics
Classification: Uncertain significance. Last evaluated: 2025-02-01. Review status: criteria provided, single submitter. Criteria: Ambry Variant Classification Scheme 2023. Collection method: clinical testing. Allele origin: germline.
Comment: The p.M55L variant (also known as c.163A>T), located in coding exon 2 of the ILK gene, results from an A to T substitution at nucleotide position 163. The methionine at codon 55 is replaced by leucine, an amino acid with highly similar properties. This amino acid position is conserved. In addition, the in silico prediction for this alteration is inconclusive. Based on the available evidence, the clinical significance of this variant remains unclear.

Labcorp Genetics (formerly Invitae), Labcorp
Classification: Uncertain significance for Primary familial hypertrophic cardiomyopathy. Last evaluated: 2024-02-01. Review status: criteria provided, single submitter. Criteria: Invitae Variant Classification Sherloc (09022015). Collection method: clinical testing. Allele origin: germline.
Comment: This sequence change replaces methionine, which is neutral and non-polar, with leucine, which is neutral and non-polar, at codon 55 of the ILK protein (p.Met55Leu). This variant is present in population databases (rs781296730, gnomAD 0.01%). This variant has not been reported in the literature in individuals affected with ILK-related conditions. An algorithm developed to predict the effect of missense changes on protein structure and function (PolyPhen-2) suggests that this variant is likely to be tolerated. In summary, the available evidence is currently insufficient to determine the role of this variant in disease. Therefore, it has been classified as a Variant of Uncertain Significance.